The following is an entry in ClinVar:

ClinVar aggregate classification (germline): Uncertain significance. Review status: criteria provided, multiple submitters, no conflicts (2 of 4 stars). 2 submissions from 2 submitters: Uncertain significance (2). Last evaluated 2025-12-23.

Conditions:
Intellectual developmental disorder, X-linked 1. Also called: Atkin Flaitz Patil Smith syndrome; Intellectual disability, X-linked 1; MENTAL RETARDATION, X-LINKED 18; MENTAL RETARDATION, X-LINKED 78. Identifiers: Orphanet 777, MedGen C2931498, MONDO:0010656, OMIM 309530.

Allele frequency attached by ClinVar (database versions not stated): TOPMed 0.00002.

Submissions (2):

Dasa
Classification: Uncertain significance for Intellectual developmental disorder, X-linked 1. Last evaluated: 2025-12-23. Review status: criteria provided, single submitter. Criteria: DASA Assertion Criteria. Collection method: clinical testing. Allele origin: germline.
Comment: NM_001111125.3(IQSEC2):c.533C>T (p.Ala178Val) is a missense variant that results in the substitution of alanine with valine. This variant is rare in population databases. Computational prediction algorithms are consistent with a benign effect. The currently available literature and clinical evidence are not sufficient to establish a definitive association between this variant and the reported condition. Therefore, this variant is classified as a variant of uncertain significance.

Labcorp Genetics (formerly Invitae), Labcorp
Classification: Uncertain significance for Intellectual developmental disorder, X-linked 1. Last evaluated: 2025-07-15. Review status: criteria provided, single submitter. Criteria: Invitae Variant Classification Sherloc (09022015). Collection method: clinical testing. Allele origin: germline.
Comment: This sequence change replaces alanine, which is neutral and non-polar, with valine, which is neutral and non-polar, at codon 178 of the IQSEC2 protein (p.Ala178Val). This variant is not present in population databases (gnomAD no frequency). This variant has not been reported in the literature in individuals affected with IQSEC2-related conditions. ClinVar contains an entry for this variant (Variation ID: 3014807). Invitae Evidence Modeling of protein sequence and biophysical properties (such as structural, functional, and spatial information, amino acid conservation, physicochemical variation, residue mobility, and thermodynamic stability) indicates that this missense variant is not expected to disrupt IQSEC2 protein function with a negative predictive value of 95%. In summary, the available evidence is currently insufficient to determine the role of this variant in disease. Therefore, it has been classified as a Variant of Uncertain Significance.

NM_001111125.3(IQSEC2):c.533C>T (p.Ala178Val)

Gene: IQSEC2 (IQ motif and Sec7 domain ArfGEF 2; minus strand). Cytogenetic location: Xp11.22.
Variant type: single nucleotide variant.
Coding change: c.533C>T on transcript NM_001111125.3 (MANE Select); coding-DNA position 533, C replaced by T.
Protein change: p.Ala178Val; replaces alanine 178 with valine.
Molecular consequence: missense variant.
Genome position (GRCh38, 1-based): chrX:53,320,591, G>A on the plus strand (C>T on the coding strand, the complement: IQSEC2 is on the minus strand). VCF-style: chrX-53320591-G-A. GRCh37 (hg19) VCF-style: chrX-53349789-G-A.
Other names: c.533C>T, p.Ala178Val (NM_001410736.1); short protein forms A178V.
Identifiers: ClinVar variation 3014807 (VCV003014807.5), dbSNP rs2075420405, ClinGen allele CA413239134.